The following is an entry in ClinVar:

ClinVar aggregate classification (germline): Uncertain significance. Review status: criteria provided, multiple submitters, no conflicts (2 of 4 stars). 2 submissions from 2 submitters: Uncertain significance (2). Last evaluated 2025-06-25.

Conditions:
Congenital myopathy with internal nuclei and atypical cores. Also called: Myopathy, centronuclear, 4. Identifiers: Orphanet 319160, MedGen C4707232, MONDO:0013890, OMIM 614807.
Inborn genetic diseases. Identifiers: MedGen C0950123, MeSH D030342.

Allele frequency attached by ClinVar (database versions not stated): TOPMed 0.00002; ExAC 0.00006.
gnomAD v4.1: 11 of 1,548,284 alleles (0.00071%); highest among the groups gnomAD compares: Admixed American, 0.0079%; no homozygotes.

Submissions (2):

Ambry Genetics
Classification: Uncertain significance for Inborn genetic diseases. Last evaluated: 2025-06-25. Review status: criteria provided, single submitter. Criteria: Ambry Variant Classification Scheme 2023. Collection method: clinical testing. Allele origin: germline.

Labcorp Genetics (formerly Invitae), Labcorp
Classification: Uncertain significance for Congenital myopathy with internal nuclei and atypical cores. Last evaluated: 2024-08-12. Review status: criteria provided, single submitter. Criteria: Invitae Variant Classification Sherloc (09022015). Collection method: clinical testing. Allele origin: germline.
Comment: This sequence change replaces arginine, which is basic and polar, with glycine, which is neutral and non-polar, at codon 16 of the CCDC78 protein (p.Arg16Gly). This variant is present in population databases (rs746792512, gnomAD 0.01%). This variant has not been reported in the literature in individuals affected with CCDC78-related conditions. ClinVar contains an entry for this variant (Variation ID: 646778). Advanced modeling of protein sequence and biophysical properties (such as structural, functional, and spatial information, amino acid conservation, physicochemical variation, residue mobility, and thermodynamic stability) performed at Invitae indicates that this missense variant is not expected to disrupt CCDC78 protein function with a negative predictive value of 80%. Algorithms developed to predict the effect of sequence changes on RNA splicing suggest that this variant may disrupt the consensus splice site. In summary, the available evidence is currently insufficient to determine the role of this variant in disease. Therefore, it has been classified as a Variant of Uncertain Significance.

NM_001378030.1(CCDC78):c.46C>G (p.Arg16Gly)

Gene: CCDC78 (coiled-coil domain containing 78; minus strand). Cytogenetic location: 16p13.3.
Variant type: single nucleotide variant.
Coding change: c.46C>G on transcript NM_001378030.1 (MANE Select); coding-DNA position 46, C replaced by G.
Protein change: p.Arg16Gly; replaces arginine 16 with glycine.
Molecular consequence: missense variant. On other transcripts: non-coding transcript variant (3), intron variant (1).
Genome position (GRCh38, 1-based): chr16:726,322, G>C on the plus strand (C>G on the coding strand, the complement: CCDC78 is on the minus strand). VCF-style: chr16-726322-G-C. GRCh37 (hg19) VCF-style: chr16-776322-G-C.
Other names: c.46C>G, p.Arg16Gly (NM_001031737.3, NM_001378031.1); c.-225-237C>G (NM_001378033.1); short protein forms R16G.
Identifiers: ClinVar variation 646778 (VCV000646778.9), dbSNP rs746792512, ClinGen allele CA7789779.